The following is an entry in ClinVar:

ClinVar aggregate classification (germline): Uncertain significance (1 of 4 stars; one submission).

Submission:

Ambry Genetics
Classification: Uncertain significance. Last evaluated: 2021-10-05. Review status: criteria provided, single submitter. Criteria: Ambry Variant Classification Scheme 2023. Collection method: clinical testing. Allele origin: germline.
Comment: The p.R852S variant (also known as c.2556A>T), located in coding exon 23 of the PRKDC gene, results from an A to T substitution at nucleotide position 2556. The arginine at codon 852 is replaced by serine, an amino acid with dissimilar properties. This amino acid position is conserved. In addition, this alteration is predicted to be tolerated by in silico analysis. Since supporting evidence is limited at this time, the clinical significance of this alteration remains unclear.

NM_006904.7(PRKDC):c.2556A>T (p.Arg852Ser)

Gene: PRKDC (protein kinase, DNA-activated, catalytic subunit; minus strand). Cytogenetic location: 8q11.21.
Variant type: single nucleotide variant.
Coding change: c.2556A>T on transcript NM_006904.7 (MANE Select); coding-DNA position 2556, A replaced by T.
Protein change: p.Arg852Ser; replaces arginine 852 with serine.
Molecular consequence: missense variant.
Genome position (GRCh38, 1-based): chr8:47,915,389, T>A on the plus strand (A>T on the coding strand, the complement: PRKDC is on the minus strand). VCF-style: chr8-47915389-T-A. GRCh37 (hg19) VCF-style: chr8-48827949-T-A.
Other names: c.2556A>T, p.Arg852Ser (NM_001081640.2); short protein forms R852S.
Identifiers: ClinVar variation 1793016 (VCV001793016.2), dbSNP rs2551877075, ClinGen allele CA371159965.